The following is an entry in ClinVar:

NM_001943.5(DSG2):c.586A>T (p.Ile196Phe)

Gene: DSG2 (desmoglein 2; plus strand). Cytogenetic location: 18q12.1.
Variant type: single nucleotide variant.
Coding change: c.586A>T on transcript NM_001943.5 (MANE Select); coding-DNA position 586, A replaced by T.
Protein change: p.Ile196Phe; replaces isoleucine 196 with phenylalanine.
Molecular consequence: missense variant.
Genome position (GRCh38, 1-based): chr18:31,522,145, A>T. VCF-style: chr18-31522145-A-T. GRCh37 (hg19) VCF-style: chr18-29102108-A-T.
Other names: short protein forms I196F.
Identifiers: ClinVar variation 3606473 (VCV003606473.2).

ClinVar aggregate classification (germline): Uncertain significance (1 of 4 stars; one submission).

Conditions:
Arrhythmogenic right ventricular dysplasia 10. Also called: Arrhythmogenic right ventricular dysplasia/cardiomyopathy, type 10; Arrhythmogenic Right Ventricular Dysplasia/Cardiomyopathy10; ARRHYTHMOGENIC RIGHT VENTRICULAR DYSPLASIA, FAMILIAL, 10. Identifiers: MedGen C1857777, MONDO:0012434, OMIM 610193.

gnomAD v4.1: 1 of 1,613,786 alleles (0.000062%); highest among the groups gnomAD compares: African/African-American, 0.0013%; no homozygotes.

Submission:

Labcorp Genetics (formerly Invitae), Labcorp
Classification: Uncertain significance for Arrhythmogenic right ventricular dysplasia 10. Last evaluated: 2024-04-07. Review status: criteria provided, single submitter. Criteria: Invitae Variant Classification Sherloc (09022015). Collection method: clinical testing. Allele origin: germline.
Comment: This sequence change replaces isoleucine, which is neutral and non-polar, with phenylalanine, which is neutral and non-polar, at codon 196 of the DSG2 protein (p.Ile196Phe). This variant is not present in population databases (gnomAD no frequency). This variant has not been reported in the literature in individuals affected with DSG2-related conditions. Advanced modeling of protein sequence and biophysical properties (such as structural, functional, and spatial information, amino acid conservation, physicochemical variation, residue mobility, and thermodynamic stability) performed at Invitae indicates that this missense variant is not expected to disrupt DSG2 protein function with a negative predictive value of 95%. In summary, the available evidence is currently insufficient to determine the role of this variant in disease. Therefore, it has been classified as a Variant of Uncertain Significance.